The following is an entry in ClinVar:

ClinVar aggregate classification (germline): Benign. Review status: criteria provided, single submitter (1 of 4 stars). 2 submissions from 2 submitters: Benign (1). 1 of the submissions does not count toward it. Last evaluated 2026-01-11.

Conditions:
WNK4-related disorder. Also called: WNK4-related condition.

Allele frequency attached by ClinVar (database versions not stated): gnomAD exomes 0.00010; 1000 Genomes Project 0.00020; 1000 Genomes Project 30x 0.00031; ExAC 0.00038; TOPMed 0.00066; gnomAD 0.00072; ESP Exome Variant Server 0.00085.

Submissions (2):

Labcorp Genetics (formerly Invitae), Labcorp
Classification: Benign. Last evaluated: 2026-01-11. Review status: criteria provided, single submitter. Criteria: Invitae Variant Classification Sherloc (09022015). Collection method: clinical testing. Allele origin: germline.

PreventionGenetics, part of Exact Sciences
Classification: Likely benign for WNK4-related condition. Last evaluated: 2019-12-23. Review status: no assertion criteria provided. Collection method: clinical testing. Allele origin: germline. Not counted in ClinVar's aggregate classification.
Comment: This variant is classified as likely benign based on ACMG/AMP sequence variant interpretation guidelines (Richards et al. 2015 PMID: 25741868, with internal and published modifications).

NM_032387.5(WNK4):c.3023-9G>A

Gene: WNK4 (WNK lysine deficient protein kinase 4; plus strand). Cytogenetic location: 17q21.2.
Variant type: single nucleotide variant.
Coding change: c.3023-9G>A on transcript NM_032387.5 (MANE Select); 9 bases into the intron before coding-DNA position 3023, G replaced by A.
Molecular consequence: intron variant.
Genome position (GRCh38, 1-based): chr17:42,795,616, G>A. VCF-style: chr17-42795616-G-A. GRCh37 (hg19) VCF-style: chr17-40947634-G-A.
Other names: c.2015-9G>A (NM_001321299.2); c.3023-9G>A (NM_032387.4).
Identifiers: ClinVar variation 2072814 (VCV002072814.6), dbSNP rs377609818, ClinGen allele CA8584510.
Genomic context (GRCh38, chr17:42,795,616, plus strand): 5'-TATCCCTACTCACTGTCTGTCCTGTCACTGCTCTCCTTTCCTCATGCCTTCTTCCTCGTC[G>A]CCCTACAGAGGGAAAGCCGCAGCTTGTTGGGCGTTTCCAAGTGACTTCATCCAAGGAACC-3'